The following is an entry in ClinVar:

ClinVar aggregate classification (germline): Likely benign (1 of 4 stars; one submission).

gnomAD v4.1: 1,992 of 1,542,542 alleles (0.13%); highest among the groups gnomAD compares: Non-Finnish European, 0.11%; 12 homozygotes.

Submission:

CeGaT Center for Human Genetics Tuebingen
Classification: Likely benign. Last evaluated: 2026-02-01. Review status: criteria provided, single submitter. Criteria: CeGaT Center For Human Genetics Tuebingen Variant Classification Criteria Version 2. Collection method: clinical testing. Allele origin: germline. Affected: yes. Observed: 2 variant alleles.
Comment: POLR2F: BP4, BP7

NM_001301131.2(POLR2F):c.293+19008C>T

Genes: POLR2F (RNA polymerase II, I and III subunit F; plus strand), LOC110120893 (VISTA enhancer hs564; plus strand). Cytogenetic location: 22q13.1.
Variant type: single nucleotide variant.
Coding change: c.293+19008C>T on transcript NM_001301131.2; 19008 bases into the intron after coding-DNA position 293, C replaced by T.
Molecular consequence: intron variant. On other transcripts: synonymous variant (1).
Genome position (GRCh38, 1-based): chr22:37,986,178, C>T. VCF-style: chr22-37986178-C-T. GRCh37 (hg19) VCF-style: chr22-38382185-C-T.
Other names: c.318C>T, p.Pro106= (NM_001301130.2); c.*38+13868C>T (NM_001363825.1).
Identifiers: ClinVar variation 4533579 (VCV004533579.6).